The following is an entry in ClinVar:

NM_003072.5(SMARCA4):c.1410G>A (p.Gln470=)

Gene: SMARCA4 (SWI/SNF related BAF chromatin remodeling complex subunit ATPase 4; plus strand). Cytogenetic location: 19p13.2.
Variant type: single nucleotide variant.
Coding change: c.1410G>A on transcript NM_003072.5 (MANE Select); coding-DNA position 1410, G replaced by A.
Protein change: p.Gln470=; no amino-acid change (glutamine 470 retained).
Molecular consequence: synonymous variant. On other transcripts: non-coding transcript variant (1).
Genome position (GRCh38, 1-based): chr19:10,991,314, G>A. VCF-style: chr19-10991314-G-A. GRCh37 (hg19) VCF-style: chr19-11101990-G-A.
Other names: c.1410G>A, p.Gln470= (NM_001128844.3, NM_001128845.2, NM_001128846.2 and 5 more transcripts).
Identifiers: ClinVar variation 238373 (VCV000238373.18), dbSNP rs376367395, ClinGen allele CA9203763.

ClinVar aggregate classification (germline): Benign/Likely benign. Review status: criteria provided, multiple submitters, no conflicts (2 of 4 stars). 4 submissions from 4 submitters: Benign (1); Likely benign (3). Last evaluated 2026-07-10.

Conditions:
SMARCA4-related disorder. Also called: SMARCA4-related condition.
Hereditary cancer-predisposing syndrome. Also called: Hereditary Cancer Syndrome; Tumor predisposition; Hereditary neoplastic syndrome; Neoplastic Syndromes, Hereditary. Identifiers: Orphanet 140162, MedGen C0027672, MeSH D009386, MONDO:0015356.
Rhabdoid tumor predisposition syndrome 2 (RTPS2). Identifiers: Orphanet 231108, Orphanet 69077, MedGen C2750074, MONDO:0013224, OMIM 613325.

Allele frequency attached by ClinVar (database versions not stated): ESP Exome Variant Server 0.00008; TOPMed 0.00002; ExAC 0.00002; gnomAD exomes 0.00001.
gnomAD v4.1: 16 of 1,599,130 alleles (0.001%); highest among the groups gnomAD compares: Non-Finnish European, 0.0013%; no homozygotes.

Submissions (4):

Myriad Genetics, Inc.
Classification: Benign for Rhabdoid tumor predisposition syndrome 2. Last evaluated: 2026-07-10. Review status: criteria provided, single submitter. Criteria: Myriad Autosomal Dominant, Autosomal Recessive and X-Linked Classification Criteria (2023). Collection method: clinical testing. Allele origin: unknown.
Comment: This variant is considered benign. This variant is a silent/synonymous amino acid change and it is not expected to impact splicing.

Labcorp Genetics (formerly Invitae), Labcorp
Classification: Likely benign for Rhabdoid tumor predisposition syndrome 2. Last evaluated: 2026-02-04. Review status: criteria provided, single submitter. Criteria: Invitae Variant Classification Sherloc (09022015). Collection method: clinical testing. Allele origin: germline.

PreventionGenetics, part of Exact Sciences
Classification: Likely benign for SMARCA4-related condition. Last evaluated: 2025-08-04. Review status: criteria provided, single submitter. Criteria: ACMG Guidelines, 2015. Collection method: clinical testing. Allele origin: germline.
Comment: This variant is classified as likely benign based on ACMG/AMP sequence variant interpretation guidelines (Richards et al. 2015 PMID: 25741868, with internal and published modifications).

Ambry Genetics
Classification: Likely benign for Hereditary cancer-predisposing syndrome. Last evaluated: 2016-04-08. Review status: criteria provided, single submitter. Criteria: Ambry Variant Classification Scheme 2023. Collection method: clinical testing. Allele origin: germline.